The following is an entry in ClinVar:

ClinVar aggregate classification (germline): Likely benign. Review status: criteria provided, multiple submitters, no conflicts (2 of 4 stars). 2 submissions from 2 submitters: Likely benign (2). Last evaluated 2024-10-18.

Conditions:
PKHD1-related disorder. Also called: PKHD1-related condition.
Autosomal recessive polycystic kidney disease (ARPKD). Also called: AR polycystic kidney disease. Identifiers: Orphanet 731, Orphanet 8378, MedGen C0085548, MeSH D017044, MONDO:0009889.

Allele frequency attached by ClinVar (database versions not stated): gnomAD exomes below 0.00001; TOPMed below 0.00001.
gnomAD v4.1: 1 of 1,613,544 alleles (0.000062%); highest among the groups gnomAD compares: Non-Finnish European, 0.000085%; no homozygotes.

Submissions (2):

PreventionGenetics, part of Exact Sciences
Classification: Likely benign for PKHD1-related condition. Last evaluated: 2024-10-18. Review status: criteria provided, single submitter. Criteria: ACMG Guidelines, 2015. Collection method: clinical testing. Allele origin: germline.
Comment: This variant is classified as likely benign based on ACMG/AMP sequence variant interpretation guidelines (Richards et al. 2015 PMID: 25741868, with internal and published modifications).

Labcorp Genetics (formerly Invitae), Labcorp
Classification: Likely benign for Autosomal recessive polycystic kidney disease. Last evaluated: 2023-11-05. Review status: criteria provided, single submitter. Criteria: Invitae Variant Classification Sherloc (09022015). Collection method: clinical testing. Allele origin: germline.

NM_138694.4(PKHD1):c.2140+7A>G

Gene: PKHD1 (PKHD1 ciliary IPT domain containing fibrocystin/polyductin; minus strand). Cytogenetic location: 6p12.2.
Variant type: single nucleotide variant.
Coding change: c.2140+7A>G on transcript NM_138694.4 (MANE Select); 7 bases into the intron after coding-DNA position 2140, A replaced by G.
Molecular consequence: intron variant.
Genome position (GRCh38, 1-based): chr6:52,053,069, T>C on the plus strand (A>G on the coding strand, the complement: PKHD1 is on the minus strand). VCF-style: chr6-52053069-T-C. GRCh37 (hg19) VCF-style: chr6-51917867-T-C.
Other names: c.2140+7A>G (NM_170724.3, NM_138694.3).
Identifiers: ClinVar variation 1964065 (VCV001964065.6), dbSNP rs1807126491, ClinGen allele CA1628642267.